The following is an entry in ClinVar:

NM_001395413.1(POR):c.560A>G (p.Tyr187Cys)

Gene: POR (cytochrome p450 oxidoreductase; plus strand). Cytogenetic location: 7q11.23.
Variant type: single nucleotide variant.
Coding change: c.560A>G on transcript NM_001395413.1 (MANE Select); coding-DNA position 560, A replaced by G.
Protein change: p.Tyr187Cys; replaces tyrosine 187 with cysteine.
Molecular consequence: missense variant.
Genome position (GRCh38, 1-based): chr7:75,981,100, A>G. VCF-style: chr7-75981100-A-G. GRCh37 (hg19) VCF-style: chr7-75610418-A-G.
Other names: c.560A>G, p.Tyr187Cys (NM_001367562.3, NM_001382657.2, NM_001382658.3 and 2 more transcripts); c.614A>G, p.Tyr205Cys (NM_001382655.3); short protein forms Y187C, Y205C.
Identifiers: ClinVar variation 911569 (VCV000911569.10), dbSNP rs782681272, ClinGen allele CA4303725.

ClinVar aggregate classification (germline): Conflicting classifications of pathogenicity. Review status: criteria provided, conflicting classifications (1 of 4 stars). 4 submissions from 4 submitters: Uncertain significance (3); Likely benign (1). Last evaluated 2024-09-20.

Conditions:
Congenital adrenal hyperplasia due to cytochrome P450 oxidoreductase deficiency. Also called: DISORDERED STEROIDOGENESIS DUE TO POR DEFICIENCY. Identifiers: Orphanet 95699, MedGen C1860042, MONDO:0013310, OMIM 613571.
Antley-Bixler syndrome with genital anomalies and disordered steroidogenesis (ABS1). Also called: POR Deficiency. Identifiers: Orphanet 63269, MedGen C3150099, MONDO:0008726, OMIM 201750.

Allele frequency attached by ClinVar (database versions not stated): gnomAD 0.00003 and 0.00010; TOPMed 0.00006; gnomAD exomes 0.00010 and 0.00024; ExAC 0.00058.
gnomAD v4.1: 161 of 1,571,712 alleles (0.01%); highest among the groups gnomAD compares: South Asian, 0.14%; no homozygotes.

Submissions (4):

3billion
Classification: Likely benign for Antley-Bixler syndrome with genital anomalies and disordered steroidogenesis; Congenital adrenal hyperplasia due to cytochrome P450 oxidoreductase deficiency. Last evaluated: 2024-09-20. Review status: criteria provided, single submitter. Criteria: ACMG Guidelines, 2015. Collection method: clinical testing. Allele origin: germline. Affected: no.
Comment: The homozygous variant was found in patients diagnosed with another variant in a different gene, with no symptoms related to the gene containing the homozygous variant.

Women's Health and Genetics/Laboratory Corporation of America, LabCorp
Classification: Uncertain significance. Last evaluated: 2024-05-20. Review status: criteria provided, single submitter. Criteria: LabCorp Variant Classification Summary - May 2015. Collection method: clinical testing. Allele origin: germline.

Labcorp Genetics (formerly Invitae), Labcorp
Classification: Uncertain significance for Congenital adrenal hyperplasia due to cytochrome P450 oxidoreductase deficiency. Last evaluated: 2021-08-28. Review status: criteria provided, single submitter. Criteria: Invitae Variant Classification Sherloc (09022015). Collection method: clinical testing. Allele origin: germline.
Comment: This sequence change replaces tyrosine with cysteine at codon 190 of the POR protein (p.Tyr190Cys). The tyrosine residue is highly conserved and there is a large physicochemical difference between tyrosine and cysteine. This variant is present in population databases (rs782681272, ExAC 0.2%). This variant has not been reported in the literature in individuals affected with POR-related conditions. ClinVar contains an entry for this variant (Variation ID: 911569). Algorithms developed to predict the effect of missense changes on protein structure and function (SIFT, PolyPhen-2, Align-GVGD) all suggest that this variant is likely to be disruptive. In summary, the available evidence is currently insufficient to determine the role of this variant in disease. Therefore, it has been classified as a Variant of Uncertain Significance.

Illumina Laboratory Services, Illumina
Classification: Uncertain significance for Congenital adrenal hyperplasia due to cytochrome P450 oxidoreductase deficiency. Last evaluated: 2018-01-13. Review status: criteria provided, single submitter. Criteria: ICSL Variant Classification Criteria 13 December 2019. Collection method: clinical testing. Allele origin: germline.